The following is an entry in ClinVar:

ClinVar aggregate classification (germline): Uncertain significance (1 of 4 stars; one submission).

Submission:

GeneDx
Classification: Uncertain significance. Last evaluated: 2023-10-30. Review status: criteria provided, single submitter. Criteria: GeneDx Variant Classification Process June 2021. Collection method: clinical testing. Allele origin: germline. Affected: yes.
Comment: Not observed at significant frequency in large population cohorts (gnomAD); In silico analysis supports that this missense variant has a deleterious effect on protein structure/function; Has not been previously published as pathogenic or benign to our knowledge; This variant is associated with the following publications: (PMID: 22522439, 23225343)

NM_001846.4(COL4A2):c.985G>A (p.Gly329Arg)

Gene: COL4A2 (collagen type IV alpha 2 chain; plus strand). Cytogenetic location: 13q34.
Variant type: single nucleotide variant.
Coding change: c.985G>A on transcript NM_001846.4 (MANE Select); coding-DNA position 985, G replaced by A.
Protein change: p.Gly329Arg; replaces glycine 329 with arginine.
Molecular consequence: missense variant.
Genome position (GRCh38, 1-based): chr13:110,445,856, G>A. VCF-style: chr13-110445856-G-A. GRCh37 (hg19) VCF-style: chr13-111098203-G-A.
Other names: short protein forms G329R.
Identifiers: ClinVar variation 3366213 (VCV003366213.1).